The following is an entry in ClinVar:

ClinVar aggregate classification (germline): Benign/Likely benign. Review status: criteria provided, multiple submitters, no conflicts (2 of 4 stars). 10 submissions from 10 submitters: Benign (1); Likely benign (6). 3 of the submissions do not count toward it. Last evaluated 2026-07-01.

Conditions:
KAT6A-related disorder. Also called: KAT6A-related condition.
Inborn genetic diseases. Identifiers: MedGen C0950123, MeSH D030342.
Autosomal dominant intellectual disability-craniofacial anomalies-cardiac defects syndrome (ARTHS). Also called: Arboleda-Tham syndrome; Mental retardation, autosomal dominant 32; KAT6A syndrome. Identifiers: Orphanet 457193, MedGen C4225396, MONDO:0014558, OMIM 616268.

Allele frequency attached by ClinVar (database versions not stated): gnomAD exomes 0.00124 and 0.00180; ESP Exome Variant Server 0.00128; gnomAD 0.00137 and 0.00145; TOPMed 0.00155; ExAC 0.00197.
gnomAD v4.1: 2,711 of 1,565,254 alleles (0.17%); highest among the groups gnomAD compares: Non-Finnish European, 0.21%; 3 homozygotes.

Submissions (10):

CeGaT Center for Human Genetics Tuebingen
Classification: Likely benign. Last evaluated: 2026-07-01. Review status: criteria provided, single submitter. Criteria: CeGaT Center For Human Genetics Tuebingen Variant Classification Criteria Version 2. Collection method: clinical testing. Allele origin: germline. Affected: yes. Observed: 11 variant alleles.
Comment: KAT6A: BS1

Labcorp Genetics (formerly Invitae), Labcorp
Classification: Likely benign. Last evaluated: 2026-02-01. Review status: criteria provided, single submitter. Criteria: Invitae Variant Classification Sherloc (09022015). Collection method: clinical testing. Allele origin: germline.

Mendelics
Classification: Likely benign for Autosomal dominant intellectual disability-craniofacial anomalies-cardiac defects syndrome. Last evaluated: 2019-05-28. Review status: criteria provided, single submitter. Criteria: Mendelics Assertion Criteria 2017. Collection method: clinical testing. Allele origin: unknown.

GeneDx
Classification: Benign. Last evaluated: 2018-12-17. Review status: criteria provided, single submitter. Criteria: GeneDx Variant Classification Process June 2021. Collection method: clinical testing. Allele origin: germline. Affected: yes.

Ambry Genetics
Classification: Likely benign for Inborn genetic diseases. Last evaluated: 2018-02-07. Review status: criteria provided, single submitter. Criteria: Ambry Variant Classification Scheme 2023. Collection method: clinical testing. Allele origin: germline.

Center for Pediatric Genomic Medicine, Children's Mercy Hospital and Clinics
Classification: Likely benign. Last evaluated: 2017-02-20. Review status: criteria provided, single submitter. Criteria: ACMG Guidelines, 2015. Collection method: clinical testing. Allele origin: germline.

Breakthrough Genomics
Classification: Likely benign. Review status: criteria provided, single submitter. Criteria: ACMG Guidelines, 2015. Collection method: not provided. Allele origin: germline. Inheritance: Autosomal dominant inheritance. Affected: yes.

PreventionGenetics, part of Exact Sciences
Classification: Likely benign for KAT6A-related condition. Last evaluated: 2019-04-29. Review status: no assertion criteria provided. Collection method: clinical testing. Allele origin: germline. Not counted in ClinVar's aggregate classification.
Comment: This variant is classified as likely benign based on ACMG/AMP sequence variant interpretation guidelines (Richards et al. 2015 PMID: 25741868, with internal and published modifications).

Clinical Genetics DNA and cytogenetics Diagnostics Lab, Erasmus MC, Erasmus Medical Center
Classification: Likely benign. Review status: no assertion criteria provided. Collection method: clinical testing. Allele origin: germline. Affected: yes. Study: VKGL Data-share Consensus. Not counted in ClinVar's aggregate classification.

Genome Diagnostics Laboratory, University Medical Center Utrecht
Classification: Likely benign. Review status: no assertion criteria provided. Collection method: clinical testing. Allele origin: germline. Affected: yes. Study: VKGL Data-share Consensus. Not counted in ClinVar's aggregate classification.

NM_006766.5(KAT6A):c.4952C>T (p.Pro1651Leu)

Gene: KAT6A (lysine acetyltransferase 6A; minus strand). Cytogenetic location: 8p11.21.
Variant type: single nucleotide variant.
Coding change: c.4952C>T on transcript NM_006766.5 (MANE Select); coding-DNA position 4952, C replaced by T.
Protein change: p.Pro1651Leu; replaces proline 1651 with leucine.
Molecular consequence: missense variant.
Genome position (GRCh38, 1-based): chr8:41,933,268, G>A on the plus strand (C>T on the coding strand, the complement: KAT6A is on the minus strand). VCF-style: chr8-41933268-G-A. GRCh37 (hg19) VCF-style: chr8-41790786-G-A.
Other names: short protein forms P1651L.
Identifiers: ClinVar variation 445624 (VCV000445624.46), dbSNP rs144417514, ClinGen allele CA4729400.